The following is an entry in ClinVar:

NM_001365276.2(TNXB):c.7691A>C (p.Gln2564Pro)

Gene: TNXB (tenascin XB; minus strand). Cytogenetic location: 6p21.33.
Variant type: single nucleotide variant.
Coding change: c.7691A>C on transcript NM_001365276.2 (MANE Select); coding-DNA position 7691, A replaced by C.
Protein change: p.Gln2564Pro; replaces glutamine 2564 with proline.
Molecular consequence: missense variant.
Genome position (GRCh38, 1-based): chr6:32,058,192, T>G on the plus strand (A>C on the coding strand, the complement: TNXB is on the minus strand). VCF-style: chr6-32058192-T-G. GRCh37 (hg19) VCF-style: chr6-32025969-T-G.
Other names: c.8432A>C, p.Gln2811Pro (NM_001428335.1); c.7691A>C, p.Gln2564Pro (NM_019105.8); short protein forms Q2564P, Q2811P.
Identifiers: ClinVar variation 3345357 (VCV003345357.1).
Genomic context (GRCh38, chr6:32,058,192, plus strand): 5'-CGCCCAGGCTCCAGGCCCCTCACAGTGACCTTGCTCTCCTGGCCCCCAACACGCACCGCC[T>G]GGGGCCGCCCGTCCCTGTCCTTGTACTGCACGGTGAAGGAGTCAAAGCGGCCCTGGGGGA-3'
Protein context (NP_001352205.1, residues 2554-2574): VQYKDRDGRP[Gln2564Pro]AVRVGGQESK

ClinVar aggregate classification (germline): Uncertain significance (0 of 4 stars; one submission).

Conditions:
TNXB-related disorder. Also called: TNXB-related condition.

Submission:

PreventionGenetics, part of Exact Sciences
Classification: Uncertain significance for TNXB-related condition. Last evaluated: 2024-04-22. Review status: no assertion criteria provided. Collection method: clinical testing. Allele origin: germline.
Comment: The TNXB c.7691A>C variant is predicted to result in the amino acid substitution p.Gln2564Pro. To our knowledge, this variant has not been reported in the literature or in a large population database, indicating this variant is rare. At this time, the clinical significance of this variant is uncertain due to the absence of conclusive functional and genetic evidence.